The following is an entry in ClinVar:

ClinVar aggregate classification (germline): Uncertain significance. Review status: criteria provided, multiple submitters, no conflicts (2 of 4 stars). 3 submissions from 3 submitters: Uncertain significance (3). Last evaluated 2025-11-10.

Conditions:
Neuronal ceroid lipofuscinosis 13 (CLN13). Also called: CLN13 Disease; CEROID LIPOFUSCINOSIS, NEURONAL, 13 (KUFS TYPE). Identifiers: Orphanet 352709, Orphanet 79262, MedGen C3715049, MONDO:0014147, OMIM 615362.
Inborn genetic diseases. Identifiers: MedGen C0950123, MeSH D030342.

Submissions (3):

Labcorp Genetics (formerly Invitae), Labcorp
Classification: Uncertain significance for Neuronal ceroid lipofuscinosis 13. Last evaluated: 2025-11-10. Review status: criteria provided, single submitter. Criteria: Invitae Variant Classification Sherloc (09022015). Collection method: clinical testing. Allele origin: germline.
Comment: This sequence change replaces alanine, which is neutral and non-polar, with serine, which is neutral and polar, at codon 22 of the CTSF protein (p.Ala22Ser). This variant is not present in population databases (gnomAD no frequency). This variant has not been reported in the literature in individuals affected with CTSF-related conditions. ClinVar contains an entry for this variant (Variation ID: 2141538). An algorithm developed to predict the effect of missense changes on protein structure and function outputs the following: PolyPhen-2: "Not Available". The serine amino acid residue is found in multiple mammalian species, which suggests that this missense change does not adversely affect protein function. In summary, the available evidence is currently insufficient to determine the role of this variant in disease. Therefore, it has been classified as a Variant of Uncertain Significance.

GeneDx
Classification: Uncertain significance. Last evaluated: 2024-03-08. Review status: criteria provided, single submitter. Criteria: GeneDx Variant Classification Process June 2021. Collection method: clinical testing. Allele origin: germline. Affected: yes.
Comment: Not observed at significant frequency in large population cohorts (gnomAD); In silico analysis supports that this missense variant does not alter protein structure/function; Has not been previously published as pathogenic or benign to our knowledge

Ambry Genetics
Classification: Uncertain significance for Inborn genetic diseases. Last evaluated: 2021-12-17. Review status: criteria provided, single submitter. Criteria: Ambry Variant Classification Scheme 2023. Collection method: clinical testing. Allele origin: germline.

NM_003793.4(CTSF):c.64G>T (p.Ala22Ser)

Gene: CTSF (cathepsin F; minus strand). Cytogenetic location: 11q13.2.
Variant type: single nucleotide variant.
Coding change: c.64G>T on transcript NM_003793.4 (MANE Select); coding-DNA position 64, G replaced by T.
Protein change: p.Ala22Ser; replaces alanine 22 with serine.
Molecular consequence: missense variant.
Genome position (GRCh38, 1-based): chr11:66,568,423, C>A on the plus strand (G>T on the coding strand, the complement: CTSF is on the minus strand). VCF-style: chr11-66568423-C-A. GRCh37 (hg19) VCF-style: chr11-66335894-C-A.
Other names: c.64G>T (NM_003793.3); short protein forms A22S.
Identifiers: ClinVar variation 2141538 (VCV002141538.6), dbSNP rs1472278206, ClinGen allele CA381468562.